The following is an entry in ClinVar:

NM_000179.3(MSH6):c.292G>T (p.Ala98Ser)

Gene: MSH6 (mutS homolog 6; plus strand). Cytogenetic location: 2p16.3.
Variant type: single nucleotide variant.
Coding change: c.292G>T on transcript NM_000179.3 (MANE Select); coding-DNA position 292, G replaced by T.
Protein change: p.Ala98Ser; replaces alanine 98 with serine.
Molecular consequence: missense variant. On other transcripts: 5 prime UTR variant (2), intron variant (1).
Genome position (GRCh38, 1-based): chr2:47,790,958, G>T. VCF-style: chr2-47790958-G-T. GRCh37 (hg19) VCF-style: chr2-48018097-G-T.
Other names: c.-445G>T (NM_001281493.2); c.-611G>T (NM_001281494.2); c.237+7488G>T (NM_001281492.2); short protein forms A98S.
Identifiers: ClinVar variation 237170 (VCV000237170.9), dbSNP rs878853725, ClinGen allele CA10582036.

ClinVar aggregate classification (germline): Uncertain significance. Review status: criteria provided, multiple submitters, no conflicts (2 of 4 stars). 3 submissions from 3 submitters: Uncertain significance (3). Last evaluated 2024-01-26.

Conditions:
Hereditary cancer-predisposing syndrome. Also called: Hereditary neoplastic syndrome; Hereditary Cancer Syndrome; Neoplastic Syndromes, Hereditary; Tumor predisposition. Identifiers: Orphanet 140162, MedGen C0027672, MeSH D009386, MONDO:0015356.
Hereditary nonpolyposis colorectal neoplasms. Identifiers: MedGen C0009405, MeSH D003123.

Submissions (3):

Ambry Genetics
Classification: Uncertain significance for Hereditary cancer-predisposing syndrome. Last evaluated: 2024-01-26. Review status: criteria provided, single submitter. Criteria: Ambry Variant Classification Scheme 2023. Collection method: clinical testing. Allele origin: germline.
Comment: The p.A98S variant (also known as c.292G>T), located in coding exon 2 of the MSH6 gene, results from a G to T substitution at nucleotide position 292. The alanine at codon 98 is replaced by serine, an amino acid with similar properties. This amino acid position is highly conserved in available vertebrate species. In addition, the in silico prediction for this alteration is inconclusive. Based on the available evidence, the clinical significance of this alteration remains unclear.

Labcorp Genetics (formerly Invitae), Labcorp
Classification: Uncertain significance for Hereditary nonpolyposis colorectal neoplasms. Last evaluated: 2021-09-25. Review status: criteria provided, single submitter. Criteria: Invitae Variant Classification Sherloc (09022015). Collection method: clinical testing. Allele origin: germline.
Comment: This variant is not present in population databases (ExAC no frequency). This sequence change replaces alanine with serine at codon 98 of the MSH6 protein (p.Ala98Ser). The alanine residue is highly conserved and there is a moderate physicochemical difference between alanine and serine. This variant has not been reported in the literature in individuals affected with MSH6-related conditions. In summary, the available evidence is currently insufficient to determine the role of this variant in disease. Therefore, it has been classified as a Variant of Uncertain Significance. Algorithms developed to predict the effect of missense changes on protein structure and function are either unavailable or do not agree on the potential impact of this missense change (SIFT: "Tolerated"; PolyPhen-2: "Probably Damaging"; Align-GVGD: "Class C0"). ClinVar contains an entry for this variant (Variation ID: 237170).

GeneDx
Classification: Uncertain significance. Last evaluated: 2020-12-11. Review status: criteria provided, single submitter. Criteria: GeneDx Variant Classification Process June 2021. Collection method: clinical testing. Allele origin: germline. Affected: yes.
Comment: Not observed in large population cohorts (Lek 2016); In silico analysis supports that this missense variant does not alter protein structure/function; Has not been previously published as pathogenic or benign to our knowledge